The following is an entry in ClinVar:

NM_004928.3(CFAP410):c.143+1G>C

Gene: CFAP410 (cilia and flagella associated protein 410; minus strand). Cytogenetic location: 21q22.3.
Variant type: single nucleotide variant.
Coding change: c.143+1G>C on transcript NM_004928.3 (MANE Select); the canonical splice donor site of the intron after coding-DNA position 143, G replaced by C.
Molecular consequence: splice donor variant.
Genome position (GRCh38, 1-based): chr21:44,335,757, C>G on the plus strand (G>C on the coding strand, the complement: CFAP410 is on the minus strand). VCF-style: chr21-44335757-C-G. GRCh37 (hg19) VCF-style: chr21-45755640-C-G.
Other names: c.143+1G>C (NM_001271440.2, NM_001271441.2); c.29+1G>C (NM_001271442.1).
Identifiers: ClinVar variation 4884503 (VCV004884503.1).
Genomic context (GRCh38, chr21:44,335,757, plus strand): 5'-ACGTGAGGCTCTGCCCCGGCTTCCAGGCCCCAGGCTGAGCATGACAGCAGGAGCGAGGTA[C>G]CTGAGCGTGATCACCTCCAGGCTGGGCATCTCCTGGCAAATGGAGATCTAGGAGGAAAAG-3'

ClinVar aggregate classification (germline): Likely pathogenic (1 of 4 stars; one submission).

Conditions:
Retinal dystrophy with or without macular staphyloma. Identifiers: Orphanet 653709, MedGen C4479651, MONDO:0060507, OMIM 617547.

Submission:

Diagnostics Services (NGS), CSIR - Centre For Cellular And Molecular Biology
Classification: Likely pathogenic for Retinal dystrophy with or without macular staphyloma. Last evaluated: 2026-06-19. Review status: criteria provided, single submitter. Criteria: ACMG Guidelines, 2015. Collection method: clinical testing. Allele origin: germline. Affected: yes. Observed: 1 variant allele, 1 homozygote.
Comment: The c.143+1G>C variant is not present in publicly available population databases like 1000 Genome, EVS, gnomAD, Indian Exome Database or in our internal database. This variant has neither been published in the literature for CFAP410-related conditions nor reported to clinical databases like Human Genome Mutation database (HGMD), OMIM, or ClinVar in any affected individuals. Algorithms developed to predict the effect of sequence changes on RNA splicing suggest that this variant can disrupt the consensus splice site. In-silico pathogenicity prediction programs like HSF-Pro, MutationTaster2021, CADD, Franklin, Varsome etc. predicted this variant to be likely deleterious, however these predictions were not confirmed by published functional/translational studies.